The following is an entry in ClinVar:

NM_004304.5(ALK):c.1399G>A (p.Glu467Lys)

Gene: ALK (ALK receptor tyrosine kinase; minus strand). Cytogenetic location: 2p23.2.
Variant type: single nucleotide variant.
Coding change: c.1399G>A on transcript NM_004304.5 (MANE Select); coding-DNA position 1399, G replaced by A.
Protein change: p.Glu467Lys; replaces glutamic acid 467 with lysine.
Molecular consequence: missense variant.
Genome position (GRCh38, 1-based): chr2:29,328,365, C>T on the plus strand (G>A on the coding strand, the complement: ALK is on the minus strand). VCF-style: chr2-29328365-C-T. GRCh37 (hg19) VCF-style: chr2-29551231-C-T.
Other names: short protein forms E467K.
Identifiers: ClinVar variation 1771707 (VCV001771707.2), dbSNP rs2148258207, ClinGen allele CA346474116.

ClinVar aggregate classification (germline): Uncertain significance (1 of 4 stars; one submission).

Conditions:
Hereditary cancer-predisposing syndrome. Also called: Hereditary Cancer Syndrome; Hereditary neoplastic syndrome; Neoplastic Syndromes, Hereditary; Tumor predisposition. Identifiers: Orphanet 140162, MedGen C0027672, MeSH D009386, MONDO:0015356.

Submission:

Ambry Genetics
Classification: Uncertain significance for Hereditary cancer-predisposing syndrome. Last evaluated: 2022-04-10. Review status: criteria provided, single submitter. Criteria: Ambry Variant Classification Scheme 2023. Collection method: clinical testing. Allele origin: germline.
Comment: The p.E467K variant (also known as c.1399G>A), located in coding exon 6 of the ALK gene, results from a G to A substitution at nucleotide position 1399. The glutamic acid at codon 467 is replaced by lysine, an amino acid with similar properties. This amino acid position is conserved. In addition, this alteration is predicted to be deleterious by in silico analysis. Since supporting evidence is limited at this time, the clinical significance of this alteration remains unclear.